The following is an entry in ClinVar:

NM_004991.4(MECOM):c.2459C>A (p.Pro820His)

Gene: MECOM (MDS1 and EVI1 complex locus; minus strand). Cytogenetic location: 3q26.2.
Variant type: single nucleotide variant.
Coding change: c.2459C>A on transcript NM_004991.4 (MANE Select); coding-DNA position 2459, C replaced by A.
Protein change: p.Pro820His; replaces proline 820 with histidine.
Molecular consequence: missense variant.
Genome position (GRCh38, 1-based): chr3:169,115,413, G>T on the plus strand (C>A on the coding strand, the complement: MECOM is on the minus strand). VCF-style: chr3-169115413-G-T. GRCh37 (hg19) VCF-style: chr3-168833201-G-T.
Other names: c.1898C>A, p.Pro633His (NM_001366467.2, NM_001366468.2, NM_001366470.2 and 1 more transcripts); c.1895C>A, p.Pro632His (NM_001366469.2, NM_001366471.2, NM_001366472.2 and 4 more transcripts); c.1487C>A, p.Pro496His (NM_001366473.2); c.923C>A, p.Pro308His (NM_001366474.2); c.2090C>A, p.Pro697His (NM_001105077.4); c.2459C>A, p.Pro820His (NM_001366466.2); short protein forms P697H, P308H, P496H, P632H, P633H, P820H.
Identifiers: ClinVar variation 5024142 (VCV005024142.1).

ClinVar aggregate classification (germline): Uncertain significance (1 of 4 stars; one submission).

Conditions:
Inborn genetic diseases. Identifiers: MedGen C0950123, MeSH D030342.

gnomAD v4.1: 3 of 1,614,034 alleles (0.00019%); highest among the groups gnomAD compares: South Asian, 0.0033%; no homozygotes.

Submission:

Ambry Genetics
Classification: Uncertain significance for Inborn genetic diseases. Last evaluated: 2026-07-20. Review status: criteria provided, single submitter. Criteria: Ambry Variant Classification Scheme 2023. Collection method: clinical testing. Allele origin: germline.
Comment: The p.P820H variant (also known as c.2459C>A), located in coding exon 8 of the MECOM gene, results from a C to A substitution at nucleotide position 2459. The proline at codon 820 is replaced by histidine, an amino acid with similar properties. This amino acid position is conserved. In addition, this alteration is predicted to be deleterious by in silico analysis. Based on the available evidence, the clinical significance of this variant remains unclear.